The following is an entry in ClinVar:

NM_001379110.1(SLC9A6):c.-56-19C>T

Gene: SLC9A6 (solute carrier family 9 member A6; plus strand). Cytogenetic location: Xq26.3.
Variant type: single nucleotide variant.
Coding change: c.-56-19C>T on transcript NM_001379110.1 (MANE Select); 19 bases into the intron before 56 bases upstream of the start codon, C replaced by T.
Molecular consequence: intron variant. On other transcripts: missense variant (2).
Genome position (GRCh38, 1-based): chrX:135,985,584, C>T. VCF-style: chrX-135985584-C-T. GRCh37 (hg19) VCF-style: chrX-135067743-C-T.
Other names: c.82C>T, p.Leu28Phe (NM_001042537.2, NM_006359.3); c.-35-40C>T (NM_001400909.1); c.-56-19C>T (NM_001400910.1, NM_001400911.1, NM_001177651.2 and 3 more transcripts); short protein forms L28F.
Identifiers: ClinVar variation 2574912 (VCV002574912.1), dbSNP rs781947192, ClinGen allele CA10524589.

ClinVar aggregate classification (germline): Uncertain significance (1 of 4 stars; one submission).

Allele frequency attached by ClinVar (database versions not stated): TOPMed below 0.00001; ExAC 0.00001; gnomAD 0.00001.
gnomAD v4.1: 1 of 1,205,927 alleles (0.000083%); highest among the groups gnomAD compares: Non-Finnish European, 0.00011%; no homozygotes.

Submission:

GeneDx
Classification: Uncertain significance. Last evaluated: 2023-02-05. Review status: criteria provided, single submitter. Criteria: GeneDx Variant Classification Process June 2021. Collection method: clinical testing. Allele origin: germline. Affected: yes.
Comment: Not observed at significant frequency in large population cohorts (gnomAD); In silico analysis supports that this missense variant does not alter protein structure/function; Has not been previously published as pathogenic or benign to our knowledge